The following is an entry in ClinVar:

NM_003919.3(SGCE):c.117dup (p.Ile40fs)

Genes: CASD1 (CAS1 domain sialic acid O acetyltransferase 1; plus strand), SGCE (sarcoglycan epsilon; minus strand). Cytogenetic location: 7q21.3.
Variant type: Duplication.
Coding change: c.117dup on transcript NM_003919.3 (MANE Select); coding-DNA position 117, one base duplicated (T; older notation c.117dupT).
Protein change: p.Ile40fs; shifts the reading frame from isoleucine 40.
Molecular consequence: frameshift variant. On other transcripts: intron variant (2), 5 prime UTR variant (2).
Genome position (GRCh38, 1-based): chr7:94,629,834, A duplicated on the plus strand (T on the coding strand, the reverse complement: SGCE is on the minus strand). VCF-style (leftmost placement, unchanged base first): chr7-94629833-T-TA. GRCh37 (hg19) VCF-style: chr7-94259145-T-TA.
Other names: c.110-1475dup (NM_001362809.2, NM_001301139.2); c.117dup, p.Ile40fs (NM_001099400.2, NM_001099401.2, NM_001346717.2); c.225dup, p.Ile76fs (NM_001346713.2, NM_001346715.2); c.30dup, p.Ile11fs (NM_001346719.2, NM_001362807.2); c.-157dup (NM_001346720.2, NM_001362808.2); short protein forms I11fs, I40fs, I76fs.
Identifiers: ClinVar variation 3628874 (VCV003628874.2).

ClinVar aggregate classification (germline): Pathogenic (1 of 4 stars; one submission).

Conditions:
Myoclonic dystonia 11 (DYT11). Also called: Myoclonic dystonia; Dystonia 11; Dystonia, alcohol responsive; Hereditary essential myoclonus; SGCE Myoclonus-Dystonia; Myoclonus-Dystonia. Identifiers: Orphanet 36899, MedGen C1834570, MONDO:0008044, OMIM 159900.

Submission:

Labcorp Genetics (formerly Invitae), Labcorp
Classification: Pathogenic for Myoclonic dystonia 11. Last evaluated: 2024-10-18. Review status: criteria provided, single submitter. Criteria: Invitae Variant Classification Sherloc (09022015). Collection method: clinical testing. Allele origin: germline.
Comment: This sequence change creates a premature translational stop signal (p.Ile40Tyrfs*29) in the SGCE gene. It is expected to result in an absent or disrupted protein product. Loss-of-function variants in SGCE are known to be pathogenic (PMID: 12821748, 15389977, 17853490, 24297365). This variant is not present in population databases (gnomAD no frequency). This variant has not been reported in the literature in individuals affected with SGCE-related conditions. For these reasons, this variant has been classified as Pathogenic.

Literature cited by the submitters: PubMed 12821748; PubMed 15389977; PubMed 17853490; PubMed 24297365.